The following is an entry in ClinVar:

ClinVar aggregate classification (germline): Uncertain significance (1 of 4 stars; one submission).

Allele frequency attached by ClinVar (database versions not stated): gnomAD exomes below 0.00001.
gnomAD v4.1: 1 of 1,614,192 alleles (0.000062%); highest among the groups gnomAD compares: East Asian, 0.0022%; no homozygotes.

Submission:

Labcorp Genetics (formerly Invitae), Labcorp
Classification: Uncertain significance. Last evaluated: 2023-08-10. Review status: criteria provided, single submitter. Criteria: Invitae Variant Classification Sherloc (09022015). Collection method: clinical testing. Allele origin: germline.
Comment: In summary, the available evidence is currently insufficient to determine the role of this variant in disease. Therefore, it has been classified as a Variant of Uncertain Significance. An algorithm developed to predict the effect of missense changes on protein structure and function (PolyPhen-2) suggests that this variant is likely to be tolerated. ClinVar contains an entry for this variant (Variation ID: 2107395). This variant has not been reported in the literature in individuals affected with AGBL5-related conditions. This variant is present in population databases (no rsID available, gnomAD 0.006%). This sequence change replaces valine, which is neutral and non-polar, with glycine, which is neutral and non-polar, at codon 691 of the AGBL5 protein (p.Val691Gly).

NM_021831.6(AGBL5):c.2072T>G (p.Val691Gly)

Gene: AGBL5 (AGBL carboxypeptidase 5; plus strand). Cytogenetic location: 2p23.3.
Variant type: single nucleotide variant.
Coding change: c.2072T>G on transcript NM_021831.6 (MANE Select); coding-DNA position 2072, T replaced by G.
Protein change: p.Val691Gly; replaces valine 691 with glycine.
Molecular consequence: missense variant. On other transcripts: non-coding transcript variant (2).
Genome position (GRCh38, 1-based): chr2:27,059,387, T>G. VCF-style: chr2-27059387-T-G. GRCh37 (hg19) VCF-style: chr2-27282255-T-G.
Other names: c.2072T>G, p.Val691Gly (NM_001035506.1, NM_001035507.3); short protein forms V691G.
Identifiers: ClinVar variation 2107395 (VCV002107395.4), dbSNP rs1390455160, ClinGen allele CA346188811.